The following is an entry in ClinVar:

NM_000051.4(ATM):c.2838+6T>G

Gene: ATM (ATM serine/threonine kinase; plus strand). Cytogenetic location: 11q22.3.
Variant type: single nucleotide variant.
Coding change: c.2838+6T>G on transcript NM_000051.4 (MANE Select); 6 bases into the intron after coding-DNA position 2838, T replaced by G.
Molecular consequence: intron variant.
Genome position (GRCh38, 1-based): chr11:108,268,615, T>G. VCF-style: chr11-108268615-T-G. GRCh37 (hg19) VCF-style: chr11-108139342-T-G.
Other names: c.2838+6T>G (NM_001351834.2).
Identifiers: ClinVar variation 2749756 (VCV002749756.3), dbSNP rs781730571, ClinGen allele CA6265120.

ClinVar aggregate classification (germline): Uncertain significance (1 of 4 stars; one submission).

Conditions:
Ataxia-telangiectasia syndrome (AT). Also called: AT, COMPLEMENTATION GROUP C; Ataxia-telangiectasia, complementation group D; ATAXIA-TELANGIECTASIA, COMPLEMENTATION GROUP A; ATAXIA-TELANGIECTASIA, FRESNO VARIANT; Ataxia-telangiectasia; Ataxia telangiectasia (A-T). Identifiers: Orphanet 100, MedGen C0004135, MONDO:0008840, OMIM 208900.

Allele frequency attached by ClinVar (database versions not stated): ExAC 0.00001.

Submission:

Labcorp Genetics (formerly Invitae), Labcorp
Classification: Uncertain significance for Ataxia-telangiectasia syndrome. Last evaluated: 2023-05-30. Review status: criteria provided, single submitter. Criteria: Invitae Variant Classification Sherloc (09022015). Collection method: clinical testing. Allele origin: germline.
Comment: In summary, the available evidence is currently insufficient to determine the role of this variant in disease. Therefore, it has been classified as a Variant of Uncertain Significance. This variant disrupts the c.2838+6 nucleotide in the ATM gene. Other variant(s) that disrupt this nucleotide have been determined to be pathogenic (PMID: 33098801). This suggests that this nucleotide is clinically significant, and that variants that disrupt this position are likely to be disease-causing. Variants that disrupt the consensus splice site are a relatively common cause of aberrant splicing (PMID: 17576681, 9536098). Algorithms developed to predict the effect of sequence changes on RNA splicing suggest that this variant may disrupt the consensus splice site. This variant has not been reported in the literature in individuals affected with ATM-related conditions. This variant is not present in population databases (gnomAD no frequency). This sequence change falls in intron 18 of the ATM gene. It does not directly change the encoded amino acid sequence of the ATM protein. It affects a nucleotide within the consensus splice site.

Literature cited by the submitters: PubMed 33098801; PubMed 17576681; PubMed 9536098.